The following is an entry in ClinVar:

ClinVar aggregate classification (germline): Uncertain significance. Review status: criteria provided, multiple submitters, no conflicts (2 of 4 stars). 4 submissions from 4 submitters: Uncertain significance (4). Last evaluated 2025-12-23.

Conditions:
Hereditary cancer-predisposing syndrome. Also called: Neoplastic Syndromes, Hereditary; Hereditary Cancer Syndrome; Tumor predisposition; Hereditary neoplastic syndrome. Identifiers: Orphanet 140162, MedGen C0027672, MeSH D009386, MONDO:0015356.
Pheochromocytoma. Also called: MAX-Related Hereditary Paraganglioma-Pheochromocytoma Syndrome. Identifiers: Orphanet 29072, MedGen C0031511, MONDO:0008233, OMIM 171300, HP:0002666.
Hereditary pheochromocytoma and paraganglioma. Also called: Hereditary Paraganglioma-Pheochromocytoma Syndromes; Hereditary paragangliomas and pheochromocytomas; Hereditary pheochromocytoma-paraganglioma. Identifiers: Orphanet 29072, MedGen C4274332, MONDO:0017366.

Allele frequency attached by ClinVar (database versions not stated): gnomAD exomes below 0.00001; ExAC 0.00001; gnomAD 0.00001.

Submissions (4):

Labcorp Genetics (formerly Invitae), Labcorp
Classification: Uncertain significance for Hereditary pheochromocytoma and paraganglioma. Last evaluated: 2025-12-23. Review status: criteria provided, single submitter. Criteria: Invitae Variant Classification Sherloc (09022015). Collection method: clinical testing. Allele origin: germline.
Comment: This sequence change replaces arginine, which is basic and polar, with tryptophan, which is neutral and slightly polar, at codon 156 of the MAX protein (p.Arg156Trp). This variant is present in population databases (rs768360710, gnomAD 0.006%). This variant has not been reported in the literature in individuals affected with MAX-related conditions. ClinVar contains an entry for this variant (Variation ID: 647774). An algorithm developed to predict the effect of missense changes on protein structure and function (PolyPhen-2) suggests that this variant is likely to be disruptive. In summary, the available evidence is currently insufficient to determine the role of this variant in disease. Therefore, it has been classified as a Variant of Uncertain Significance.

Ambry Genetics
Classification: Uncertain significance for Hereditary cancer-predisposing syndrome. Last evaluated: 2025-08-14. Review status: criteria provided, single submitter. Criteria: Ambry Variant Classification Scheme 2023. Collection method: clinical testing. Allele origin: germline.
Comment: The p.R156W variant (also known as c.466C>T), located in coding exon 5 of the MAX gene, results from a C to T substitution at nucleotide position 466. The arginine at codon 156 is replaced by tryptophan, an amino acid with dissimilar properties. This amino acid position is well conserved in available vertebrate species. In addition, this alteration is predicted to be deleterious by in silico analysis. Since supporting evidence is limited at this time, the clinical significance of this alteration remains unclear.

Blueprint Genetics
Classification: Uncertain significance. Last evaluated: 2023-05-25. Review status: criteria provided, single submitter. Criteria: ACMG Guidelines, 2015. Collection method: clinical testing. Allele origin: germline.

Baylor Genetics
Classification: Uncertain significance for Pheochromocytoma. Last evaluated: 2020-11-25. Review status: criteria provided, single submitter. Criteria: ACMG Guidelines, 2015. Collection method: clinical testing. Allele origin: unknown. Affected: yes. Study: CSER-TexasKidsCanSeq.
Comment: This variant was determined to be of uncertain significance according to ACMG Guidelines, 2015 [PMID:25741868].

NM_002382.5(MAX):c.466C>T (p.Arg156Trp)

Gene: MAX (MYC associated transcriptional regulator X; minus strand). Cytogenetic location: 14q23.3.
Variant type: single nucleotide variant.
Coding change: c.466C>T on transcript NM_002382.5 (MANE Select); coding-DNA position 466, C replaced by T.
Protein change: p.Arg156Trp; replaces arginine 156 with tryptophan.
Molecular consequence: missense variant. On other transcripts: 3 prime UTR variant (1), intron variant (2).
Genome position (GRCh38, 1-based): chr14:65,076,493, G>A on the plus strand (C>T on the coding strand, the complement: MAX is on the minus strand). VCF-style: chr14-65076493-G-A. GRCh37 (hg19) VCF-style: chr14-65543211-G-A.
Other names: c.277C>T, p.Arg93Trp (NM_001320415.2, NM_001407105.1, NM_001407106.1 and 1 more transcripts); c.466C>T, p.Arg156Trp (NM_001407094.1); c.439C>T, p.Arg147Trp (NM_001407095.1, NM_145112.3); c.*239C>T (NM_001407096.1, NM_001407099.1, NM_001407102.1 and 2 more transcripts); c.*255C>T (NM_001407097.1, NM_001407100.1, NM_001407101.1 and 4 more transcripts); c.358C>T, p.Arg120Trp (NM_001407098.1); c.265C>T, p.Arg89Trp (NM_001407111.1, NM_001407112.1); c.144+17215C>T (NM_001271069.2); and 1 more; short protein forms R93W, R147W, R156W, R120W, R89W.
Identifiers: ClinVar variation 647774 (VCV000647774.18), dbSNP rs768360710, ClinGen allele CA7232785.
Genomic context (GRCh38, chr14:65,076,493, plus strand): 5'-GATGGAGACAGACAGTTTTTATTGCTGGCCTGCCCCGAGTGGCTTAGCTGGCCTCCATCC[G>A]GAGCTTCTTCCTGCTTTGGGGCTCTTCAGGCTCAGACTCCGAGCTGGAGTCCGAGCCCCC-3'
Protein context (NP_002373.3, residues 146-160): PEEPQSRKKL[Arg156Trp]MEAS